The following is an entry in ClinVar:

ClinVar aggregate classification (germline): Conflicting classifications of pathogenicity. Review status: criteria provided, conflicting classifications (1 of 4 stars). 2 submissions from 2 submitters: Uncertain significance (1); Likely benign (1). Last evaluated 2026-01-24.

Conditions:
Ellis-van Creveld syndrome (EVC). Also called: MESOECTODERMAL DYSPLASIA; Chondroectodermal dysplasia. Identifiers: Orphanet 289, MedGen C0013903, MONDO:0009162, OMIM 225500.
Curry-Hall syndrome (WAD). Also called: WEYERS ACRODENTAL DYSOSTOSIS. Identifiers: Orphanet 952, MedGen C0457013, MONDO:0008673, OMIM 193530.

Allele frequency attached by ClinVar (database versions not stated): gnomAD exomes below 0.00001; ExAC 0.00001.
gnomAD v4.1: 6 of 1,614,144 alleles (0.00037%); highest among the groups gnomAD compares: African/African-American, 0.004%; no homozygotes.

Submissions (2):

Labcorp Genetics (formerly Invitae), Labcorp
Classification: Likely benign for Curry-Hall syndrome; Ellis-van Creveld syndrome. Last evaluated: 2026-01-24. Review status: criteria provided, single submitter. Criteria: Invitae Variant Classification Sherloc (09022015). Collection method: clinical testing. Allele origin: germline.

CeGaT Center for Human Genetics Tuebingen
Classification: Uncertain significance. Last evaluated: 2025-03-01. Review status: criteria provided, single submitter. Criteria: CeGaT Center For Human Genetics Tuebingen Variant Classification Criteria Version 2. Collection method: clinical testing. Allele origin: germline. Affected: yes. Observed: 1 variant allele.
Comment: EVC2: PM2, BP4

NM_147127.5(EVC2):c.1497G>A (p.Leu499=)

Gene: EVC2 (EvC ciliary complex subunit 2; minus strand). Cytogenetic location: 4p16.2.
Variant type: single nucleotide variant.
Coding change: c.1497G>A on transcript NM_147127.5 (MANE Select); coding-DNA position 1497, G replaced by A.
Protein change: p.Leu499=; no amino-acid change (leucine 499 retained).
Molecular consequence: synonymous variant.
Genome position (GRCh38, 1-based): chr4:5,632,006, C>T on the plus strand (G>A on the coding strand, the complement: EVC2 is on the minus strand). VCF-style: chr4-5632006-C-T. GRCh37 (hg19) VCF-style: chr4-5633733-C-T.
Other names: c.1257G>A, p.Leu419= (NM_001166136.2).
Identifiers: ClinVar variation 2137444 (VCV002137444.11), dbSNP rs111779557, ClinGen allele CA2835030.
Genomic context (GRCh38, chr4:5,632,006, plus strand): 5'-TTCTTGTTGCAAAGCGAGAGACTTCCTCAAGTGCTCCTGTTCCAGGCCATGGAGGGTCCG[C>T]AGAAGGTTGCTGCACTCTACAGCAGACTGGAGAGAGGAAAGGGAGAGCGTGAGAAACTGA-3'
Protein context (NP_667338.3, residues 489-509): ERSAVECSNL[Leu499=]RTLHGLEQEH